The following is an entry in ClinVar:

ClinVar aggregate classification (germline): Uncertain significance (1 of 4 stars; one submission).

Conditions:
C1S-related disorder. Also called: C1S-related condition.

gnomAD v4.1: 3 of 1,612,328 alleles (0.00019%); highest among the groups gnomAD compares: African/African-American, 0.0013%; no homozygotes.

Submission:

PreventionGenetics, part of Exact Sciences
Classification: Uncertain significance for C1S-related condition. Last evaluated: 2024-12-02. Review status: criteria provided, single submitter. Criteria: ACMG Guidelines, 2015. Collection method: clinical testing. Allele origin: germline.
Comment: The C1S c.213+1G>T variant is predicted to disrupt the GT donor site and interfere with normal splicing. To our knowledge, this variant has not been reported in the literature. This variant is reported in 0.011% of alleles in individuals of African descent in gnomAD. No truncating variant has been reported upstream of this variant in Human Gene Mutation Database. Although we suspect that this variant may be pathogenic, at this time, the clinical significance of this variant is uncertain due to the absence of conclusive functional and genetic evidence.

NM_001734.5(C1S):c.213+1G>T

Gene: C1S (complement C1s; plus strand). Cytogenetic location: 12p13.31.
Variant type: single nucleotide variant.
Coding change: c.213+1G>T on transcript NM_001734.5 (MANE Select); the canonical splice donor site of the intron after coding-DNA position 213, G replaced by T.
Molecular consequence: splice donor variant. On other transcripts: intron variant (1).
Genome position (GRCh38, 1-based): chr12:7,062,683, G>T. VCF-style: chr12-7062683-G-T. GRCh37 (hg19) VCF-style: chr12-7169987-G-T.
Other names: c.213+1G>T (NM_201442.4); c.-288-207G>T (NM_001346850.2).
Identifiers: ClinVar variation 4997557 (VCV004997557.1).